The following is an entry in ClinVar:

ClinVar aggregate classification (germline): Likely benign (1 of 4 stars; one submission).

Submission:

CeGaT Center for Human Genetics Tuebingen
Classification: Likely benign. Last evaluated: 2026-04-01. Review status: criteria provided, single submitter. Criteria: CeGaT Center For Human Genetics Tuebingen Variant Classification Criteria Version 2. Collection method: clinical testing. Allele origin: germline. Affected: yes. Observed: 1 variant allele.
Comment: PCSK9: PM2:Supporting, BP4, BP7

NM_174936.4(PCSK9):c.208-1832G>A

Gene: PCSK9 (proprotein convertase subtilisin/kexin type 9; plus strand). Cytogenetic location: 1p32.3.
Variant type: single nucleotide variant.
Coding change: c.208-1832G>A on transcript NM_174936.4 (MANE Select); 1832 bases into the intron before coding-DNA position 208, G replaced by A.
Molecular consequence: intron variant. On other transcripts: synonymous variant (1), non-coding transcript variant (1).
Genome position (GRCh38, 1-based): chr1:55,042,011, G>A. VCF-style: chr1-55042011-G-A. GRCh37 (hg19) VCF-style: chr1-55507684-G-A.
Other names: c.252G>A, p.Gln84= (NM_001407240.1); c.-169+1608G>A (NM_001407246.1); c.208-1832G>A (NM_001407242.1, NM_001407241.1, NM_001407244.1 and 2 more transcripts); c.207+1967G>A (NM_001407245.1).
Identifiers: ClinVar variation 4874269 (VCV004874269.2).